The following is an entry in ClinVar:

NM_025074.7(FRAS1):c.4958C>T (p.Pro1653Leu)

Gene: FRAS1 (Fraser extracellular matrix complex subunit 1; plus strand). Cytogenetic location: 4q21.21.
Variant type: single nucleotide variant.
Coding change: c.4958C>T on transcript NM_025074.7 (MANE Select); coding-DNA position 4958, C replaced by T.
Protein change: p.Pro1653Leu; replaces proline 1653 with leucine.
Molecular consequence: missense variant.
Genome position (GRCh38, 1-based): chr4:78,430,406, C>T. VCF-style: chr4-78430406-C-T. GRCh37 (hg19) VCF-style: chr4-79351560-C-T.
Other names: c.4958C>T, p.Pro1653Leu (NM_001166133.2); short protein forms P1653L.
Identifiers: ClinVar variation 197016 (VCV000197016.14), dbSNP rs6813102, ClinGen allele CA202660.
Genomic context (GRCh38, chr4:78,430,406, plus strand): 5'-AGCTTCGGAGACCTCCACAGCATGGTGTGCTTCTTAAGCATACAGCTGAGTTCCGAAGGC[C>T]GATGGCCACAGGTAGCTACACACCTACACACTCTGTCACTGACCTGCTTGGAGGATTTTT-3'
Protein context (NP_079350.5, residues 1643-1663): LLKHTAEFRR[Pro1653Leu]MATGDTFTYE

ClinVar aggregate classification (germline): Benign/Likely benign. Review status: criteria provided, multiple submitters, no conflicts (2 of 4 stars). 3 submissions from 3 submitters: Benign (1); Likely benign (2). Last evaluated 2026-02-03.

Allele frequency attached by ClinVar (database versions not stated): gnomAD exomes 0.00037; ExAC 0.00039; ESP Exome Variant Server 0.00074; TOPMed 0.00119; gnomAD 0.00134; 1000 Genomes Project 0.00240; 1000 Genomes Project 30x 0.00265.
gnomAD v4.1: 336 of 1,612,862 alleles (0.021%); highest among the groups gnomAD compares: African/African-American, 0.34%; no homozygotes.

Submissions (3):

Women's Health and Genetics/Laboratory Corporation of America, LabCorp
Classification: Likely benign. Last evaluated: 2026-02-03. Review status: criteria provided, single submitter. Criteria: LabCorp Variant Classification Summary - May 2015. Collection method: clinical testing. Allele origin: germline.
Comment: Variant summary: FRAS1 c.4958C>T (p.Pro1653Leu) results in a non-conservative amino acid change in the encoded protein sequence. Algorithms developed to predict the effect of missense changes on protein structure and function are either unavailable or do not agree on the potential impact of this missense change. The variant allele was found at a frequency of 0.00037 in 248172 control chromosomes, predominantly at a frequency of 0.0042 within the African or African-American subpopulation in the gnomAD database. The observed variant frequency within African or African-American control individuals in the gnomAD database exceeds the estimated maximal expected allele frequency for disease-causing variants in FRAS1. To our knowledge, no occurrence of c.4958C>T in individuals affected with FRAS1-related conditions and no experimental evidence demonstrating its impact on protein function have been reported. ClinVar contains an entry for this variant (Variation ID: 197016). Based on the evidence outlined above, the variant was classified as likely benign.

Labcorp Genetics (formerly Invitae), Labcorp
Classification: Likely benign. Last evaluated: 2026-01-28. Review status: criteria provided, single submitter. Criteria: Invitae Variant Classification Sherloc (09022015). Collection method: clinical testing. Allele origin: germline.

Eurofins Ntd Llc (ga)
Classification: Benign. Last evaluated: 2014-12-12. Review status: criteria provided, single submitter. Criteria: EGL Classification Definitions 2015. Collection method: clinical testing. Allele origin: germline. Observed: 1 variant allele, 1 heterozygote.